The following is an entry in ClinVar:

ClinVar aggregate classification (germline): Pathogenic (1 of 4 stars; one submission).

Conditions:
Hereditary cancer-predisposing syndrome. Also called: Neoplastic Syndromes, Hereditary; Tumor predisposition; Hereditary neoplastic syndrome; Hereditary Cancer Syndrome. Identifiers: Orphanet 140162, MedGen C0027672, MeSH D009386, MONDO:0015356.

Submission:

Ambry Genetics
Classification: Pathogenic for Hereditary cancer-predisposing syndrome. Last evaluated: 2024-04-10. Review status: criteria provided, single submitter. Criteria: Ambry Variant Classification Scheme 2023. Collection method: clinical testing. Allele origin: germline.
Comment: The c.4995delA pathogenic mutation, located in coding exon 32 of the ATM gene, results from a deletion of one nucleotide at nucleotide position 4995, causing a translational frameshift with a predicted alternate stop codon (p.E1666Kfs*3). This variant is considered to be rare based on population cohorts in the Genome Aggregation Database (gnomAD). This alteration is expected to result in loss of function by premature protein truncation or nonsense-mediated mRNA decay. As such, this alteration is interpreted as a disease-causing mutation.

NM_000051.4(ATM):c.4995del (p.Glu1666fs)

Gene: ATM (ATM serine/threonine kinase; plus strand). Cytogenetic location: 11q22.3.
Variant type: Deletion.
Coding change: c.4995del on transcript NM_000051.4 (MANE Select); coding-DNA position 4995, one base deleted (A; older notation c.4995delA).
Protein change: p.Glu1666fs; shifts the reading frame from glutamic acid 1666.
Molecular consequence: frameshift variant.
Genome position (GRCh38, 1-based): chr11:108,297,372, A deleted; the last of 5 consecutive A bases (chr11:108,297,368-108,297,372); deleting any one gives the same sequence. VCF-style (leftmost placement, unchanged base first): chr11-108297367-GA-G. GRCh37 (hg19) VCF-style: chr11-108168094-GA-G.
Other names: c.4995del, p.Glu1666fs (NM_001351834.2); short protein forms E1666fs.
Identifiers: ClinVar variation 3325152 (VCV003325152.1).